The following is an entry in ClinVar:

ClinVar aggregate classification (germline): Uncertain significance. Review status: criteria provided, multiple submitters, no conflicts (2 of 4 stars). 3 submissions from 3 submitters: Uncertain significance (3). Last evaluated 2025-12-01.

Conditions:
Cardiovascular phenotype. Identifiers: MedGen CN230736.
Dilated cardiomyopathy 1G (CMD1G). Identifiers: Orphanet 154, MedGen C1858763, MONDO:0011400, OMIM 604145.

Submissions (3):

Ambry Genetics
Classification: Uncertain significance for Cardiovascular phenotype. Last evaluated: 2025-12-01. Review status: criteria provided, single submitter. Criteria: Ambry Variant Classification Scheme 2023. Collection method: clinical testing. Allele origin: germline.
Comment: The c.30727_30729delCCT variant (also known as p.P10243del) is located in coding exon 123 of the TTN gene. This variant results from an in-frame CCT deletion at nucleotide positions 30727 to 30729. This results in the in-frame deletion of a proline at codon 10243. This amino acid position is highly conserved in available vertebrate species. In addition, this variant is predicted to be deleterious by in silico analysis (Choi Y et al. PLoS ONE. 2012; 7(10):e46688). Based on the available evidence, the clinical significance of this variant remains unclear.

Women's Health and Genetics/Laboratory Corporation of America, LabCorp
Classification: Uncertain significance. Last evaluated: 2023-10-02. Review status: criteria provided, single submitter. Criteria: LabCorp Variant Classification Summary - May 2015. Collection method: clinical testing. Allele origin: germline.
Comment: Variant summary: TTN c.50218_50220delCCT (p.Pro16740del) results in an in-frame deletion that is predicted to remove one amino acid from the encoded protein. The variant was absent in 248282 control chromosomes (gnomAD). The available data on variant occurrences in the general population are insufficient to allow any conclusion about variant significance. To our knowledge, no occurrence of c.50218_50220delCCT in individuals affected with Dilated Cardiomyopathy and no experimental evidence demonstrating its impact on protein function have been reported. No submitters have cited clinical-significance assessments for this variant to ClinVar after 2014. Based on the evidence outlined above, the variant was classified as uncertain significance.

Clinical Genomics Laboratory, Stanford Medicine
Classification: Uncertain significance for Dilated cardiomyopathy 1G. Last evaluated: 2021-07-21. Review status: criteria provided, single submitter. Criteria: ACMG Guidelines, 2015. Collection method: clinical testing. Allele origin: germline. Affected: yes. Observed: 1 heterozygote.
Comment: The p.Pro19308del variant in the TTNgene has not been previously reported in association with disease. This variant was absent from large population databases, including the Genome Aggregation Database.However, the ability to detect this type of variation is limited. These data were assessed using the ACMG/AMP variant interpretation guidelines. In summary, the significance of the p.Pro19308del variant is uncertain. Additional information is needed to resolve the significance of this variant.[ACMG evidence codes used: PM2]

NM_001267550.2(TTN):c.57919CCT[1] (p.Pro19308del)

Genes: TTN (titin; minus strand), TTN-AS1 (TTN antisense RNA 1; plus strand). Cytogenetic location: 2q31.2.
Variant type: Microsatellite.
Coding change: c.57919CCT[1] on transcript NM_001267550.2 (MANE Select); one copy of the 3-base unit CCT starting at c.57919; the reference has two copies in a row; one copy, 3 bases deleted.
Protein change: p.Pro19308del; deletes proline 19308.
Molecular consequence: inframe deletion.
Genome position (GRCh38, 1-based): chr2:178,594,570-178,594,572, AGG deleted on the plus strand (CCT on the coding strand, the reverse complement: TTN is on the minus strand); deleting any 3 consecutive bases within chr2:178,594,570-178,594,576 gives the same sequence; the position shown is the placement nearest the transcript's 3' end. VCF-style (leftmost placement, unchanged base first): chr2-178594569-TAGG-T. GRCh37 (hg19) VCF-style: chr2-179459296-TAGG-T.
Other names: p.Pro19308del; c.57922_57924delCCT (NM_001267550.2); c.50218_50220delCCT (NM_133378.4); c.30727_30729delCCT (NM_003319.4); c.52996CCT[1], p.Pro17667del (NM_001256850.1); c.30724CCT[1], p.Pro10243del (NM_003319.4); c.50215CCT[1], p.Pro16740del (NM_133378.4); c.31099CCT[1], p.Pro10368del (NM_133432.3); and 1 more; short protein forms P10243del, P10368del, P10435del, P16740del, P17667del, P19308del.
Identifiers: ClinVar variation 1321368 (VCV001321368.4), dbSNP rs2050997801, ClinGen allele CA1310541146.
Genomic context (GRCh38, chr2:178,594,569, plus strand): 5'-CAGTCCCAATGAGCCGACTTTCTAGGACATAGTTAATAATTTCTGACCCACCATCATACT[TAGG>T]AGGATTCCAAGTCAAAGTTACAGTATTTTTAGTAACTTCTTTGACTTCCAGGTCTTCAGG-3'